The following is an entry in ClinVar:

ClinVar aggregate classification (germline): Pathogenic (1 of 4 stars; one submission).

Conditions:
LAMA2-related muscular dystrophy (LAMA2-RD). Also called: Laminin alpha 2-related dystrophy. Identifiers: MedGen C5679788, MONDO:0100228.

Submission:

Myriad Genetics, Inc.
Classification: Pathogenic for LAMA2-related muscular dystrophy. Last evaluated: 2026-08-22. Review status: criteria provided, single submitter. Criteria: Myriad Autosomal Dominant, Autosomal Recessive and X-Linked Classification Criteria (2023). Collection method: clinical testing. Allele origin: unknown.
Comment: NM_000426.3(LAMA2):c.3410dupA(V1138Gfs*9) is expected to be pathogenic in the context of muscular dystrophy, LAMA2-related. This variant is predicted to lead to an abnormal or absent protein product due to the creation of a premature termination codon in LAMA2, a gene where loss-of-function variants are known to be pathogenic. Please note: this variant was assessed in the context of healthy population screening.

NM_000426.4(LAMA2):c.3410dup (p.Val1138fs)

Gene: LAMA2 (laminin subunit alpha 2; plus strand). Cytogenetic location: 6q22.33.
Variant type: Duplication.
Coding change: c.3410dup on transcript NM_000426.4 (MANE Select); coding-DNA position 3410, one base duplicated (A; older notation c.3410dupA).
Protein change: p.Val1138fs; shifts the reading frame from valine 1138.
Molecular consequence: frameshift variant.
Genome position (GRCh38, 1-based): chr6:129,313,096, A duplicated; the last of 2 consecutive A bases (chr6:129,313,095-129,313,096); duplicating either gives the same sequence. VCF-style (leftmost placement, unchanged base first): chr6-129313094-T-TA. GRCh37 (hg19) VCF-style: chr6-129634239-T-TA.
Other names: c.3410dup, p.Val1138fs (NM_001079823.2); short protein forms V1138fs.
Identifiers: ClinVar variation 5016265 (VCV005016265.1).